The following is an entry in ClinVar:

NM_000744.7(CHRNA4):c.163G>A (p.Val55Met)

Gene: CHRNA4 (cholinergic receptor nicotinic alpha 4 subunit; minus strand). Cytogenetic location: 20q13.33.
Variant type: single nucleotide variant.
Coding change: c.163G>A on transcript NM_000744.7 (MANE Select); coding-DNA position 163, G replaced by A.
Protein change: p.Val55Met; replaces valine 55 with methionine.
Molecular consequence: missense variant. On other transcripts: 5 prime UTR variant (1), non-coding transcript variant (1).
Genome position (GRCh38, 1-based): chr20:63,359,613, C>T on the plus strand (G>A on the coding strand, the complement: CHRNA4 is on the minus strand). VCF-style: chr20-63359613-C-T. GRCh37 (hg19) VCF-style: chr20-61990965-C-T.
Other names: c.-384G>A (NM_001256573.2); short protein forms V55M.
Identifiers: ClinVar variation 1012131 (VCV001012131.8), dbSNP rs1349610263, ClinGen allele CA409643508.

ClinVar aggregate classification (germline): Uncertain significance (1 of 4 stars; one submission).

Conditions:
Familial sleep-related hypermotor epilepsy. Also called: Autosomal Dominant Sleep-Related Hypermotor (Hyperkinetic) Epilepsy. Identifiers: Orphanet 98784, MedGen C3696898, MONDO:0000030.

Allele frequency attached by ClinVar (database versions not stated): gnomAD exomes below 0.00001 and 0.00001.

Submission:

Labcorp Genetics (formerly Invitae), Labcorp
Classification: Uncertain significance. Last evaluated: 2022-07-12. Review status: criteria provided, single submitter. Criteria: Invitae Variant Classification Sherloc (09022015). Collection method: clinical testing. Allele origin: germline.
Comment: In summary, the available evidence is currently insufficient to determine the role of this variant in disease. Therefore, it has been classified as a Variant of Uncertain Significance. Algorithms developed to predict the effect of missense changes on protein structure and function are either unavailable or do not agree on the potential impact of this missense change (SIFT: "Deleterious"; PolyPhen-2: "Probably Damaging"; Align-GVGD: "Class C0"). ClinVar contains an entry for this variant (Variation ID: 1012131). This variant has not been reported in the literature in individuals affected with CHRNA4-related conditions. This variant is present in population databases (no rsID available, gnomAD 0.003%). This sequence change replaces valine, which is neutral and non-polar, with methionine, which is neutral and non-polar, at codon 55 of the CHRNA4 protein (p.Val55Met).